The following is an entry in ClinVar:

NM_018124.4(RFWD3):c.1505G>C (p.Gly502Ala)

Gene: RFWD3 (ring finger and WD repeat domain 3; minus strand). Cytogenetic location: 16q23.1.
Variant type: single nucleotide variant.
Coding change: c.1505G>C on transcript NM_018124.4 (MANE Select); coding-DNA position 1505, G replaced by C.
Protein change: p.Gly502Ala; replaces glycine 502 with alanine.
Molecular consequence: missense variant.
Genome position (GRCh38, 1-based): chr16:74,632,595, C>G on the plus strand (G>C on the coding strand, the complement: RFWD3 is on the minus strand). VCF-style: chr16-74632595-C-G. GRCh37 (hg19) VCF-style: chr16-74666493-C-G.
Other names: c.671G>C, p.Gly224Ala (NM_001370540.1, NM_001370541.1, NM_001370542.1 and 3 more transcripts); c.1505G>C, p.Gly502Ala (NM_001370534.1, NM_001370535.1, NM_001370536.1); c.1505G>C (NM_018124.3); short protein forms G502A, G224A.
Identifiers: ClinVar variation 2103398 (VCV002103398.5), dbSNP rs779404005, ClinGen allele CA8169182.

ClinVar aggregate classification (germline): Uncertain significance. Review status: criteria provided, multiple submitters, no conflicts (2 of 4 stars). 2 submissions from 2 submitters: Uncertain significance (2). Last evaluated 2025-12-15.

Allele frequency attached by ClinVar (database versions not stated): gnomAD 0.00001; gnomAD exomes 0.00001; TOPMed 0.00001; ExAC 0.00002.
gnomAD v4.1: 22 of 1,613,996 alleles (0.0014%); highest among the groups gnomAD compares: African/African-American, 0.0027%; no homozygotes.

Submissions (2):

Ambry Genetics
Classification: Uncertain significance. Last evaluated: 2025-12-15. Review status: criteria provided, single submitter. Criteria: Ambry Variant Classification Scheme 2023. Collection method: clinical testing. Allele origin: germline.

Labcorp Genetics (formerly Invitae), Labcorp
Classification: Uncertain significance. Last evaluated: 2025-07-14. Review status: criteria provided, single submitter. Criteria: Invitae Variant Classification Sherloc (09022015). Collection method: clinical testing. Allele origin: germline.
Comment: This sequence change replaces glycine, which is neutral and non-polar, with alanine, which is neutral and non-polar, at codon 502 of the RFWD3 protein (p.Gly502Ala). This variant is present in population databases (rs779404005, gnomAD 0.007%). This variant has not been reported in the literature in individuals affected with RFWD3-related conditions. ClinVar contains an entry for this variant (Variation ID: 2103398). An algorithm developed to predict the effect of missense changes on protein structure and function (PolyPhen-2) suggests that this variant is likely to be disruptive. In summary, the available evidence is currently insufficient to determine the role of this variant in disease. Therefore, it has been classified as a Variant of Uncertain Significance.